The following is an entry in ClinVar:

NM_130837.3(OPA1):c.1608+295G>A

Gene: OPA1 (OPA1 mitochondrial dynamin like GTPase; plus strand). Cytogenetic location: 3q29.
Variant type: single nucleotide variant.
Coding change: c.1608+295G>A on transcript NM_130837.3 (MANE Select); 295 bases into the intron after coding-DNA position 1608, G replaced by A.
Molecular consequence: intron variant.
Genome position (GRCh38, 1-based): chr3:193,644,400, G>A. VCF-style: chr3-193644400-G-A. GRCh37 (hg19) VCF-style: chr3-193362189-G-A.
Other names: c.1071+295G>A (NM_001354664.2); c.1074+295G>A (NM_001354663.2); c.1497+295G>A (NM_130834.3); c.1554+295G>A (NM_130836.3); c.1443+295G>A (NM_015560.3); c.1500+295G>A (NM_130835.3); c.1389+295G>A (NM_130832.3); c.1446+295G>A (NM_130833.3); and 1 more.
Identifiers: ClinVar variation 683264 (VCV000683264.1), dbSNP rs11916478, ClinGen allele CA11616813.

ClinVar aggregate classification (germline): Benign (1 of 4 stars; one submission).

Allele frequency attached by ClinVar (database versions not stated): 1000 Genomes Project 30x 0.38523; 1000 Genomes Project 0.38798; TOPMed 0.41904; gnomAD 0.42536 and 0.42975.
gnomAD v4.1: 64,654 of 151,852 alleles (43%); highest among the groups gnomAD compares: Non-Finnish European, 43%; 14,033 homozygotes.

Submission:

GeneDx
Classification: Benign. Last evaluated: 2018-06-14. Review status: criteria provided, single submitter. Criteria: GeneDx Variant Classification (06012015). Collection method: clinical testing. Allele origin: germline. Affected: yes.
Comment: This variant is considered likely benign or benign based on one or more of the following criteria: it is a conservative change, it occurs at a poorly conserved position in the protein, it is predicted to be benign by multiple in silico algorithms, and/or has population frequency not consistent with disease.